The following is an entry in ClinVar:

NM_177438.3(DICER1):c.4892C>A (p.Ser1631Tyr)

Gene: DICER1 (dicer 1, ribonuclease III; minus strand). Cytogenetic location: 14q32.13.
Variant type: single nucleotide variant.
Coding change: c.4892C>A on transcript NM_177438.3 (MANE Select); coding-DNA position 4892, C replaced by A.
Protein change: p.Ser1631Tyr; replaces serine 1631 with tyrosine.
Molecular consequence: missense variant.
Genome position (GRCh38, 1-based): chr14:95,096,028, G>T on the plus strand (C>A on the coding strand, the complement: DICER1 is on the minus strand). VCF-style: chr14-95096028-G-T. GRCh37 (hg19) VCF-style: chr14-95562365-G-T.
Other names: c.4892C>A, p.Ser1631Tyr (NM_001195573.1, NM_001271282.3, NM_001291628.2 and 1 more transcripts); short protein forms S1631Y.
Identifiers: ClinVar variation 654262 (VCV000654262.13), dbSNP rs1595338686, ClinGen allele CA390866439.

ClinVar aggregate classification (germline): Uncertain significance. Review status: criteria provided, multiple submitters, no conflicts (2 of 4 stars). 3 submissions from 3 submitters: Uncertain significance (3). Last evaluated 2024-12-19.

Conditions:
DICER1-related tumor predisposition. Also called: DICER1 syndrome; DICER1-related pleuropulmonary blastoma cancer predisposition syndrome. Identifiers: Orphanet 284343, MedGen C3839822, MONDO:0100216.
Hereditary cancer-predisposing syndrome. Also called: Neoplastic Syndromes, Hereditary; Hereditary neoplastic syndrome; Hereditary Cancer Syndrome; Tumor predisposition. Identifiers: Orphanet 140162, MedGen C0027672, MeSH D009386, MONDO:0015356.

Submissions (3):

Hereditary Cancer Group, L’Institut d'Investigació Biomèdica de Bellvitge
Classification: Uncertain significance for Hereditary cancer-predisposing syndrome. Last evaluated: 2024-12-19. Review status: criteria provided, single submitter. Criteria: Hatton et al. (Hum Mutat. 2023). Collection method: clinical testing. Allele origin: germline. Inheritance: Autosomal dominant inheritance. Affected: yes.
Comment: PM2_supporting, BP4

Labcorp Genetics (formerly Invitae), Labcorp
Classification: Uncertain significance for DICER1-related tumor predisposition. Last evaluated: 2024-04-24. Review status: criteria provided, single submitter. Criteria: Invitae Variant Classification Sherloc (09022015). Collection method: clinical testing. Allele origin: germline.
Comment: This sequence change replaces serine, which is neutral and polar, with tyrosine, which is neutral and polar, at codon 1631 of the DICER1 protein (p.Ser1631Tyr). This variant is not present in population databases (gnomAD no frequency). This variant has not been reported in the literature in individuals affected with DICER1-related conditions. ClinVar contains an entry for this variant (Variation ID: 654262). An algorithm developed to predict the effect of missense changes on protein structure and function (PolyPhen-2) suggests that this variant is likely to be tolerated. In summary, the available evidence is currently insufficient to determine the role of this variant in disease. Therefore, it has been classified as a Variant of Uncertain Significance.

Ambry Genetics
Classification: Uncertain significance for Hereditary cancer-predisposing syndrome. Last evaluated: 2023-05-09. Review status: criteria provided, single submitter. Criteria: Ambry Variant Classification Scheme 2023. Collection method: clinical testing. Allele origin: germline.
Comment: The p.S1631Y variant (also known as c.4892C>A), located in coding exon 22 of the DICER1 gene, results from a C to A substitution at nucleotide position 4892. The serine at codon 1631 is replaced by tyrosine, an amino acid with dissimilar properties. This amino acid position is poorly conserved in available vertebrate species. In addition, this alteration is predicted to be tolerated by in silico analysis. Since supporting evidence is limited at this time, the clinical significance of this alteration remains unclear.